The following is an entry in ClinVar:

GRCh37/hg19 8p23.2(chr8:2454978-3137646)x3

Gene: CSMD1 (CUB and Sushi multiple domains 1; minus strand). Cytogenetic location: 8p23.2.
Variant type: copy number gain.
Change: copy number 3 (three copies instead of two) of chr8:2,454,978-3,137,646 (682.7 kb, GRCh37 coordinates, 1-based), cytogenetic band 8p23.2.
Identifiers: ClinVar variation 548970 (VCV000548970.3).

ClinVar aggregate classification (germline): Uncertain significance (1 of 4 stars; one submission).

Submission:

Clinical Genomics Laboratory, Laboratory for Precision Diagnostics, University of Washington
Classification: Uncertain significance. Last evaluated: 2017-11-16. Review status: criteria provided, single submitter. Criteria: Clinical Cytogenomics Laboratory Policy on CNV Interpretation. Collection method: clinical testing. Allele origin: unknown. Affected: yes. Observed: 1 variant allele.

Literature cited by the submitters: PubMed 25961944.